The following is an entry in ClinVar:

ClinVar aggregate classification (germline): Likely benign (0 of 4 stars; one submission).

Conditions:
MPDZ-related disorder. Also called: MPDZ-related condition.

Submission:

PreventionGenetics, part of Exact Sciences
Classification: Likely benign for MPDZ-related condition. Last evaluated: 2021-03-09. Review status: no assertion criteria provided. Collection method: clinical testing. Allele origin: germline.
Comment: This variant is classified as likely benign based on ACMG/AMP sequence variant interpretation guidelines (Richards et al. 2015 PMID: 25741868, with internal and published modifications).

NM_001378778.1(MPDZ):c.6066+9G>A

Gene: MPDZ (multiple PDZ domain crumbs cell polarity complex component; minus strand). Cytogenetic location: 9p23.
Variant type: single nucleotide variant.
Coding change: c.6066+9G>A on transcript NM_001378778.1 (MANE Select); 9 bases into the intron after coding-DNA position 6066, G replaced by A.
Molecular consequence: intron variant.
Genome position (GRCh38, 1-based): chr9:13,108,927, C>T on the plus strand (G>A on the coding strand, the complement: MPDZ is on the minus strand). VCF-style: chr9-13108927-C-T. GRCh37 (hg19) VCF-style: chr9-13108926-C-T.
Other names: c.5769+9G>A (NM_001375425.1, NM_001375426.1); c.5856+9G>A (NM_001375420.1, NM_001375423.1, NM_001375424.1 and 2 more transcripts); c.5880+9G>A (NM_001375419.1, NM_001261407.2); c.5967+9G>A (NM_001375416.1, NM_001375418.1, NM_001261406.2 and 1 more transcripts); c.6066+9G>A (NM_001330637.2); c.5658+9G>A (NM_001375427.1); c.5979+9G>A (NM_003829.5); c.6165+9G>A (NM_001375413.1).
Identifiers: ClinVar variation 3030973 (VCV003030973.2), dbSNP rs2537578317, ClinGen allele CA2689411209.